The following is an entry in ClinVar:

ClinVar aggregate classification (germline): Pathogenic. Review status: criteria provided, multiple submitters, no conflicts (2 of 4 stars). 3 submissions from 3 submitters: Pathogenic (3). Last evaluated 2023-09-12.

Conditions:
Familial cancer of breast. Also called: BREAST CANCER, FAMILIAL; Hereditary breast cancer; hereditary breast carcinoma. Identifiers: Orphanet 227535, MedGen C0346153, MONDO:0016419, OMIM 114480. Disease mechanism: loss of function.
Hereditary cancer-predisposing syndrome. Also called: Neoplastic Syndromes, Hereditary; Tumor predisposition; Hereditary Cancer Syndrome; Hereditary neoplastic syndrome. Identifiers: Orphanet 140162, MedGen C0027672, MeSH D009386, MONDO:0015356.

Submissions (3):

Myriad Genetics, Inc.
Classification: Pathogenic for Familial cancer of breast. Last evaluated: 2023-09-12. Review status: criteria provided, single submitter. Criteria: Myriad Autosomal Dominant, Autosomal Recessive and X-Linked Classification Criteria (2023). Collection method: clinical testing. Allele origin: unknown.
Comment: This variant is considered pathogenic. This variant creates a frameshift predicted to result in premature protein truncation.

Ambry Genetics
Classification: Pathogenic for Hereditary cancer-predisposing syndrome. Last evaluated: 2022-04-27. Review status: criteria provided, single submitter. Criteria: Ambry Variant Classification Scheme 2023. Collection method: clinical testing. Allele origin: germline.
Comment: The c.2161delA pathogenic mutation, located in coding exon 5 of the PALB2 gene, results from a deletion of one nucleotide at nucleotide position 2161, causing a translational frameshift with a predicted alternate stop codon (p.T721Qfs*11). This alteration is expected to result in loss of function by premature protein truncation or nonsense-mediated mRNA decay. As such, this alteration is interpreted as a disease-causing mutation.

Labcorp Genetics (formerly Invitae), Labcorp
Classification: Pathogenic for Familial cancer of breast. Last evaluated: 2019-02-17. Review status: criteria provided, single submitter. Criteria: Invitae Variant Classification Sherloc (09022015). Collection method: clinical testing. Allele origin: germline.
Comment: This variant is not present in population databases (ExAC no frequency). For these reasons, this variant has been classified as Pathogenic. Loss-of-function variants in PALB2 are known to be pathogenic (PMID: 17200668, 24136930, 25099575). This variant has not been reported in the literature in individuals with PALB2-related conditions. This sequence change creates a premature translational stop signal (p.Thr721Glnfs*11) in the PALB2 gene. It is expected to result in an absent or disrupted protein product.

Literature cited by the submitters: PubMed 17200668 (cited by Labcorp Genetics (formerly Invitae), Labcorp); PubMed 24136930 (cited by Labcorp Genetics (formerly Invitae), Labcorp); PubMed 25099575 (cited by Labcorp Genetics (formerly Invitae), Labcorp).

NM_024675.4(PALB2):c.2161del (p.Thr721fs)

Gene: PALB2 (partner and localizer of BRCA2; minus strand). Cytogenetic location: 16p12.2.
Variant type: Deletion.
Coding change: c.2161del on transcript NM_024675.4 (MANE Select); coding-DNA position 2161, one base deleted (A; older notation c.2161delA).
Protein change: p.Thr721fs; shifts the reading frame from threonine 721.
Molecular consequence: frameshift variant.
Genome position (GRCh38, 1-based): chr16:23,629,993, T deleted on the plus strand (A on the coding strand, the reverse complement: PALB2 is on the minus strand). VCF-style (leftmost placement, unchanged base first): chr16-23629992-GT-G. GRCh37 (hg19) VCF-style: chr16-23641313-GT-G.
Other names: c.2161del (NM_024675.3); short protein forms T721fs.
Identifiers: ClinVar variation 820739 (VCV000820739.14), dbSNP rs1597089904, ClinGen allele CA915949188.